The following is an entry in ClinVar:

ClinVar aggregate classification (germline): Pathogenic (1 of 4 stars; one submission).

Conditions:
Ehlers-Danlos syndrome, dermatosparaxis type. Also called: EDS VIIC; Dermatosparaxis; Ehlers-Danlos syndrome, type VII, autosomal recessive. Identifiers: Orphanet 1901, MedGen C2700425, MONDO:0009161, OMIM 225410.

Submission:

Myriad Genetics, Inc.
Classification: Pathogenic for Ehlers-Danlos syndrome, dermatosparaxis type. Last evaluated: 2024-05-14. Review status: criteria provided, single submitter. Criteria: Myriad Autosomal Dominant, Autosomal Recessive and X-Linked Classification Criteria (2023). Collection method: clinical testing. Allele origin: unknown.
Comment: NM_014244.4(ADAMTS2):c.92_93ins8(P32Dfs*136) is expected to be pathogenic in the context of Ehlers-Danlos syndrome, ADAMTS2-related. This variant is predicted to lead to an abnormal or absent protein product due to the creation of a premature termination codon in ADAMTS2, a gene where loss-of-function variants are known to be pathogenic. Please note: this variant was assessed in the context of healthy population screening.

NM_014244.5(ADAMTS2):c.92_93insAGATGTGT (p.Pro32fs)

Gene: ADAMTS2 (ADAM metallopeptidase with thrombospondin type 1 motif 2; minus strand). Cytogenetic location: 5q35.3.
Variant type: Insertion.
Coding change: c.92_93insAGATGTGT on transcript NM_014244.5 (MANE Select); coding-DNA positions 92 to 93, AGATGTGT inserted.
Protein change: p.Pro32fs; shifts the reading frame from proline 32.
Molecular consequence: frameshift variant.
Genome position: GRCh38 VCF-style: chr5-179345236-C-CACACATCT. GRCh37 (hg19) VCF-style: chr5-178772237-C-CACACATCT.
Other names: c.92_93insAGATGTGT, p.Pro32fs (NM_021599.4); short protein forms P32fs.
Identifiers: ClinVar variation 5016381 (VCV005016381.1).